The following is an entry in ClinVar:

ClinVar aggregate classification (germline): Uncertain significance (1 of 4 stars; one submission).

Conditions:
Familial thoracic aortic aneurysm and aortic dissection (TAAD). Also called: Thoracic aortic aneurysms and dissections. Identifiers: Orphanet 91387, MedGen C4707243, MONDO:0019625.

Submission:

Ambry Genetics
Classification: Uncertain significance for Familial thoracic aortic aneurysm and aortic dissection. Last evaluated: 2025-03-23. Review status: criteria provided, single submitter. Criteria: Ambry Variant Classification Scheme 2023. Collection method: clinical testing. Allele origin: germline.
Comment: The p.Q943E variant (also known as c.2827C>G), located in coding exon 20 of the MED12 gene, results from a C to G substitution at nucleotide position 2827. The glutamine at codon 943 is replaced by glutamic acid, an amino acid with highly similar properties. This amino acid position is conserved. In addition, the in silico prediction for this alteration is inconclusive. Based on the available evidence, the clinical significance of this variant remains unclear.

NM_005120.3(MED12):c.2827C>G (p.Gln943Glu)

Gene: MED12 (mediator complex subunit 12; plus strand). Cytogenetic location: Xq13.1.
Variant type: single nucleotide variant.
Coding change: c.2827C>G on transcript NM_005120.3 (MANE Select); coding-DNA position 2827, C replaced by G.
Protein change: p.Gln943Glu; replaces glutamine 943 with glutamic acid.
Molecular consequence: missense variant.
Genome position (GRCh38, 1-based): chrX:71,127,110, C>G. VCF-style: chrX-71127110-C-G. GRCh37 (hg19) VCF-style: chrX-70346960-C-G.
Other names: short protein forms Q943E.
Identifiers: ClinVar variation 4053391 (VCV004053391.1).